The following is an entry in ClinVar:

ClinVar aggregate classification (germline): Uncertain significance. Review status: criteria provided, multiple submitters, no conflicts (2 of 4 stars). 2 submissions from 2 submitters: Uncertain significance (2). Last evaluated 2024-04-30.

Conditions:
Developmental and epileptic encephalopathy, 5 (DEE5). Identifiers: Orphanet 3451, MedGen C3150731, MONDO:0013277, OMIM 613477.
Early-infantile DEE. Also called: Ohtahara syndrome; Early infantile epileptic encephalopathy; Early infantile epileptic encephalopathy with suppression bursts. Identifiers: Orphanet 1934, MedGen C0393706, MONDO:0800491.

Allele frequency attached by ClinVar (database versions not stated): gnomAD exomes below 0.00001; TOPMed below 0.00001; gnomAD 0.00001.
gnomAD v4.1: 7 of 1,610,220 alleles (0.00043%); highest among the groups gnomAD compares: Admixed American, 0.0017%; no homozygotes.

Submissions (2):

Labcorp Genetics (formerly Invitae), Labcorp
Classification: Uncertain significance for Early-infantile DEE. Last evaluated: 2024-04-30. Review status: criteria provided, single submitter. Criteria: Invitae Variant Classification Sherloc (09022015). Collection method: clinical testing. Allele origin: germline.
Comment: This sequence change replaces arginine, which is basic and polar, with cysteine, which is neutral and slightly polar, at codon 1065 of the SPTAN1 protein (p.Arg1065Cys). The frequency data for this variant in the population databases is considered unreliable, as metrics indicate poor data quality at this position in the gnomAD database. This variant has not been reported in the literature in individuals affected with SPTAN1-related conditions. ClinVar contains an entry for this variant (Variation ID: 160006). Advanced modeling of protein sequence and biophysical properties (such as structural, functional, and spatial information, amino acid conservation, physicochemical variation, residue mobility, and thermodynamic stability) has been performed at Invitae for this missense variant, however the output from this modeling did not meet the statistical confidence thresholds required to predict the impact of this variant on SPTAN1 protein function. Algorithms developed to predict the effect of sequence changes on RNA splicing suggest that this variant may disrupt the consensus splice site. In summary, the available evidence is currently insufficient to determine the role of this variant in disease. Therefore, it has been classified as a Variant of Uncertain Significance.

Genetic Services Laboratory, University of Chicago
Classification: Uncertain significance for Epileptic encephalopathy, early infantile, 5. Last evaluated: 2014-07-15. Review status: criteria provided, single submitter. Criteria: ACMG Guidelines, 2015. Collection method: clinical testing. Allele origin: germline. Inheritance: Autosomal dominant inheritance.

NM_001130438.3(SPTAN1):c.3193C>T (p.Arg1065Cys)

Gene: SPTAN1 (spectrin alpha, non-erythrocytic 1; plus strand). Cytogenetic location: 9q34.11.
Variant type: single nucleotide variant.
Coding change: c.3193C>T on transcript NM_001130438.3 (MANE Select); coding-DNA position 3193, C replaced by T.
Protein change: p.Arg1065Cys; replaces arginine 1065 with cysteine.
Molecular consequence: missense variant. On other transcripts: intron variant (2).
Genome position (GRCh38, 1-based): chr9:128,593,020, C>T. VCF-style: chr9-128593020-C-T. GRCh37 (hg19) VCF-style: chr9-131355299-C-T.
Other names: c.3193C>T, p.Arg1065Cys (NM_001363759.2, NM_003127.4); c.3156-1155C>T (NM_001363765.2, NM_001195532.2); short protein forms R1065C.
Identifiers: ClinVar variation 160006 (VCV000160006.15), dbSNP rs587784436, ClinGen allele CA173558.
Genomic context (GRCh38, chr9:128,593,020, plus strand): 5'-TTTGCTGTGCCCCCTCTGTGCAGGACACGCATAACTAAGGAGGCCGGCAGTGTATCTCTG[C>T]GTATGAAGCAGGTGGAAGAACTGTGAGTAGGCTGAGAGTCTTGCAGAGCACCAATGTCCA-3'
Protein context (NP_001123910.1, residues 1055-1075): ITKEAGSVSL[Arg1065Cys]MKQVEELYHS